The following is an entry in ClinVar:

ClinVar aggregate classification (germline): Uncertain significance (1 of 4 stars; one submission).

Conditions:
Inborn genetic diseases. Identifiers: MedGen C0950123, MeSH D030342.

Submission:

Ambry Genetics
Classification: Uncertain significance for Inborn genetic diseases. Last evaluated: 2025-06-08. Review status: criteria provided, single submitter. Criteria: Ambry Variant Classification Scheme 2023. Collection method: clinical testing. Allele origin: germline.
Comment: The p.D466H variant (also known as c.1396G>C), located in coding exon 10 of the BUB1B gene, results from a G to C substitution at nucleotide position 1396. The aspartic acid at codon 466 is replaced by histidine, an amino acid with similar properties. This amino acid position is conserved. In addition, this alteration is predicted to be tolerated by in silico analysis. Based on the available evidence, the clinical significance of this variant remains unclear.

NM_001211.6(BUB1B):c.1396G>C (p.Asp466His)

Gene: BUB1B (BUB1 mitotic checkpoint serine/threonine kinase B; plus strand). Cytogenetic location: 15q15.1.
Variant type: single nucleotide variant.
Coding change: c.1396G>C on transcript NM_001211.6 (MANE Select); coding-DNA position 1396, G replaced by C.
Protein change: p.Asp466His; replaces aspartic acid 466 with histidine.
Molecular consequence: missense variant.
Genome position (GRCh38, 1-based): chr15:40,199,722, G>C. VCF-style: chr15-40199722-G-C. GRCh37 (hg19) VCF-style: chr15-40491923-G-C.
Other names: short protein forms D466H.
Identifiers: ClinVar variation 3993747 (VCV003993747.1).
Genomic context (GRCh38, chr15:40,199,722, plus strand): 5'-ATTGAAGAGATGGAGAAGAAGCTAAAAGAAATCCAAACTACTCAGCAAGAAAGAACAGGT[G>C]ATCAGGTAATTTTTCTTTTTTCATACACAAAACTAGAATTTATTGAAACAAATTTAAACA-3'
Protein context (NP_001202.5, residues 456-476): IQTTQQERTG[Asp466His]QQEETMPTKE